The following is an entry in ClinVar:

ClinVar aggregate classification (germline): Pathogenic/Likely pathogenic. Review status: criteria provided, multiple submitters, no conflicts (2 of 4 stars). 2 submissions from 2 submitters: Pathogenic (1); Likely pathogenic (1). Last evaluated 2026-07-03.

Conditions:
Autosomal recessive RNU4ATAC-related disorders.
Retinal disorder. Also called: Retinopathy; Retinopathies; Retinal Diseases; Retinal disorders. Identifiers: MedGen C0035309, MONDO:0005283, HP:0000488.

gnomAD v4.1: 1 of 699,860 alleles (0.00014%); highest among the groups gnomAD compares: South Asian, 0.0015%; no homozygotes.

Submissions (2):

North West Genomic Laboratory Hub, Manchester University NHS Foundation Trust
Classification: Pathogenic for Retinal disorders. Last evaluated: 2026-07-03. Review status: criteria provided, single submitter. Criteria: ACGS Best Practice Guidelines for Variant Classification in Rare Disease 2024. Collection method: clinical testing. Allele origin: germline. Affected: yes.
Comment: PP4_Supp PM2_Mod PM1_Mod PM3_Str PP1_Supp

Variantyx, Inc.
Classification: Likely pathogenic for Autosomal recessive RNU4ATAC-related disorders. Last evaluated: 2025-08-22. Review status: criteria provided, single submitter. Criteria: Variantyx Assertion Criteria 2022. Collection method: clinical testing. Allele origin: germline. Inheritance: Autosomal recessive inheritance. Affected: yes.
Comment: This is a substitution variant in the non-protein-coding RNU4ATAC gene (OMIM: 601428). Pathogenic variants in this gene, which encodes a small nuclear RNA component of the U12-dependent spliceosome, have been associated with autosomal recessive RNU4ATAC-related disorders. This variant has not been reported in individuals with RNU4ATAC-related disorders in the databases available for review. This variant lies within a known hotspot for pathogenic variants and a well-established critical functional domain of the RNU4ATAC non-coding RNA (PMID: 36795902, 32628740, 36622817) (PM1_Strong). It has a 0.0016% maximum allele frequency in non-founder control populations (PM2). Based on the current evidence, this variant is classified as likely pathogenic for autosomal recessive RNU4ATAC-related disorders.

Literature cited by the submitters: PubMed 36795902 (cited by Variantyx, Inc.); PubMed 32628740 (cited by Variantyx, Inc.); PubMed 36622817 (cited by Variantyx, Inc.).

NR_023343.3(RNU4ATAC):n.49A>G

Genes: CLASP1 (cytoplasmic linker associated protein 1; minus strand), CLASP1-AS1 (CLASP1 antisense RNA 1; plus strand), RNU4ATAC (RNA, U4atac small nuclear; plus strand). Cytogenetic location: 2q14.2.
Variant type: single nucleotide variant.
Molecular consequence: non-coding transcript variant (on NR_023343.3). On other transcripts: intron variant (8).
Genome position: GRCh38 VCF-style: chr2-121530928-A-G. GRCh37 (hg19) VCF-style: chr2-122288504-A-G.
Other names: c.196-603T>C (NM_001142274.2, NM_015282.3, NM_001378003.1 and 5 more transcripts).
Identifiers: ClinVar variation 4852261 (VCV004852261.2).